The following is an entry in ClinVar:

ClinVar aggregate classification (germline): Likely benign. Review status: criteria provided, single submitter (1 of 4 stars). 2 submissions from 2 submitters: Likely benign (1). 1 of the submissions does not count toward it. Last evaluated 2023-09-21.

Conditions:
APC-related disorder. Also called: APC-related condition.

Allele frequency attached by ClinVar (database versions not stated): gnomAD 0.00006; TOPMed 0.00008.
gnomAD v4.1: 9 of 152,154 alleles (0.0059%); highest among the groups gnomAD compares: African/African-American, 0.0097%; no homozygotes.

Submissions (2):

Blueprint Genetics
Classification: Likely benign. Last evaluated: 2023-09-21. Review status: criteria provided, single submitter. Criteria: ACMG Guidelines, 2015. Collection method: clinical testing. Allele origin: germline.

PreventionGenetics, part of Exact Sciences
Classification: Likely benign for APC-related condition. Last evaluated: 2023-10-26. Review status: no assertion criteria provided. Collection method: clinical testing. Allele origin: germline. Not counted in ClinVar's aggregate classification.
Comment: This variant is classified as likely benign based on ACMG/AMP sequence variant interpretation guidelines (Richards et al. 2015 PMID: 25741868, with internal and published modifications).

NM_001127511.3(APC):c.166-29144C>G

Gene: APC (APC regulator of Wnt signaling pathway; plus strand). Cytogenetic location: 5q22.2.
Variant type: single nucleotide variant.
Coding change: c.166-29144C>G on transcript NM_001127511.3; 29144 bases into the intron before coding-DNA position 166, C replaced by G.
Molecular consequence: intron variant.
Genome position (GRCh38, 1-based): chr5:112,737,182, C>G. VCF-style: chr5-112737182-C-G. GRCh37 (hg19) VCF-style: chr5-112072879-C-G.
Other names: c.-1053-17691C>G (NM_001407470.1, NM_001407472.1); c.-18-17691C>G (NM_001407447.1, NM_001354895.2, NM_001407456.1 and 7 more transcripts); c.166-29144C>G (NM_001407446.1, NM_001354897.2, NM_001354902.2); c.-42-29144C>G (NM_001407453.1).
Identifiers: ClinVar variation 3052653 (VCV003052653.3), dbSNP rs940074798, ClinGen allele CA124948389.